The following is an entry in ClinVar:

ClinVar aggregate classification (germline): Uncertain significance (1 of 4 stars; one submission).

Submission:

GeneDx
Classification: Uncertain significance. Last evaluated: 2022-12-10. Review status: criteria provided, single submitter. Criteria: GeneDx Variant Classification Process June 2021. Collection method: clinical testing. Allele origin: germline. Affected: yes.
Comment: Frameshift variant predicted to result in protein truncation as the last 45 amino acids are replaced with 144 different amino acids, although loss-of-function variants have not been reported downstream of this position in the protein; Not observed at significant frequency in large population cohorts (gnomAD); Has not been previously published as pathogenic or benign to our knowledge

NM_003036.4(SKI):c.2050dup (p.Leu684fs)

Gene: SKI (SKI proto-oncogene; plus strand). Cytogenetic location: 1p36.32.
Variant type: Duplication.
Coding change: c.2050dup on transcript NM_003036.4 (MANE Select); coding-DNA position 2050, one base duplicated (C; older notation c.2050dupC).
Protein change: p.Leu684fs; shifts the reading frame from leucine 684.
Molecular consequence: frameshift variant.
Genome position (GRCh38, 1-based): chr1:2,306,628, C duplicated. VCF-style (leftmost placement, unchanged base first): chr1-2306627-G-GC. GRCh37 (hg19) VCF-style: chr1-2238066-G-GC.
Other names: short protein forms L684fs.
Identifiers: ClinVar variation 2504680 (VCV002504680.1), dbSNP rs2521522067, ClinGen allele CA2580611382.